The following is an entry in ClinVar:

NC_000016.10:g.67660370G>T

Genes: ACD (ACD shelterin complex subunit and telomerase recruitment factor; minus strand), LOC130059224 (ATAC-STARR-seq lymphoblastoid silent region 7617; plus strand). Cytogenetic location: 16q22.1.
Variant type: single nucleotide variant.
Genome position: GRCh38 VCF-style: chr16-67660370-G-T. GRCh37 (hg19) VCF-style: chr16-67694273-G-T.
Identifiers: ClinVar variation 2417979 (VCV002417979.43), dbSNP rs748543340, ClinGen allele CA396359754.

ClinVar aggregate classification (germline): Uncertain significance (1 of 4 stars; one submission).

Conditions:
Dyskeratosis congenita, autosomal dominant 6 (DKCA6). Identifiers: Orphanet 3322, MedGen C4225284, MONDO:0014690, OMIM 616553.

Allele frequency attached by ClinVar (database versions not stated): gnomAD 0.00001.

Submission:

Labcorp Genetics (formerly Invitae), Labcorp
Classification: Uncertain significance for Dyskeratosis congenita, autosomal dominant 6. Last evaluated: 2023-08-07. Review status: criteria provided, single submitter. Criteria: Invitae Variant Classification Sherloc (09022015). Collection method: clinical testing. Allele origin: germline.
Comment: ClinVar contains an entry for this variant (Variation ID: 2417979). In summary, the available evidence is currently insufficient to determine the role of this variant in disease. Therefore, it has been classified as a Variant of Uncertain Significance. Algorithms developed to predict the effect of missense changes on protein structure and function output the following: SIFT: "Not Available"; PolyPhen-2: "Benign"; Align-GVGD: "Not Available". The serine amino acid residue is found in multiple mammalian species, which suggests that this missense change does not adversely affect protein function. This variant has not been reported in the literature in individuals affected with ACD-related conditions. The frequency data for this variant in the population databases is considered unreliable, as metrics indicate poor data quality at this position in the gnomAD database. This sequence change replaces arginine, which is basic and polar, with serine, which is neutral and polar, at codon 37 of the ACD protein (p.Arg37Ser).